The following is an entry in ClinVar:

NM_001378454.1(ALMS1):c.4391A>G (p.Gln1464Arg)

Gene: ALMS1 (ALMS1 centrosome and basal body associated protein; plus strand). Cytogenetic location: 2p13.1.
Variant type: single nucleotide variant.
Coding change: c.4391A>G on transcript NM_001378454.1 (MANE Select); coding-DNA position 4391, A replaced by G.
Protein change: p.Gln1464Arg; replaces glutamine 1464 with arginine.
Molecular consequence: missense variant.
Genome position (GRCh38, 1-based): chr2:73,450,918, A>G. VCF-style: chr2-73450918-A-G. GRCh37 (hg19) VCF-style: chr2-73678045-A-G.
Other names: c.4394A>G, p.Gln1465Arg (NM_015120.4); short protein forms Q1465R, Q1464R.
Identifiers: ClinVar variation 2197356 (VCV002197356.1), dbSNP rs1419972472, ClinGen allele CA347278442.
Genomic context (GRCh38, chr2:73,450,918, plus strand): 5'-CACATAGTCATCTACCTGAAGAGGCTTTGGAAGTTTCAGTTGCTCCTGGACCAGTTGACC[A>G]GACGATTGGCACACCAACTGTAACCTCCCCTTCCAGCTCATTTGGAGAGAAGCCCATTGT-3'
Protein context (NP_001365383.1, residues 1454-1474): EVSVAPGPVD[Gln1464Arg]TIGTPTVTSP

ClinVar aggregate classification (germline): Uncertain significance (1 of 4 stars; one submission).

Conditions:
Alstrom syndrome (ALMS). Identifiers: Orphanet 64, MedGen C0268425, MONDO:0008763, OMIM 203800.

Allele frequency attached by ClinVar (database versions not stated): gnomAD exomes below 0.00001.
gnomAD v4.1: 1 of 1,614,062 alleles (0.000062%); highest among the groups gnomAD compares: Non-Finnish European, 0.000085%; no homozygotes.

Submission:

Labcorp Genetics (formerly Invitae), Labcorp
Classification: Uncertain significance for Alstrom syndrome. Last evaluated: 2022-01-02. Review status: criteria provided, single submitter. Criteria: Invitae Variant Classification Sherloc (09022015). Collection method: clinical testing. Allele origin: germline.
Comment: This sequence change replaces glutamine, which is neutral and polar, with arginine, which is basic and polar, at codon 1465 of the ALMS1 protein (p.Gln1465Arg). This variant is not present in population databases (gnomAD no frequency). This variant has not been reported in the literature in individuals affected with ALMS1-related conditions. Experimental studies and prediction algorithms are not available or were not evaluated, and the functional significance of this variant is currently unknown. In summary, the available evidence is currently insufficient to determine the role of this variant in disease. Therefore, it has been classified as a Variant of Uncertain Significance.